The following is an entry in ClinVar:

NM_001372233.1(KCNN2):c.-3C>T

Gene: KCNN2 (potassium calcium-activated channel subfamily N member 2; plus strand). Cytogenetic location: 5q22.3.
Variant type: single nucleotide variant.
Coding change: c.-3C>T on transcript NM_001372233.1; 3 bases upstream of the start codon, C replaced by T.
Molecular consequence: 5 prime UTR variant.
Genome position (GRCh38, 1-based): chr5:114,361,126, C>T. VCF-style: chr5-114361126-C-T. GRCh37 (hg19) VCF-style: chr5-113696823-C-T.
Identifiers: ClinVar variation 4084470 (VCV004084470.8).
Genomic context (GRCh38, chr5:114,361,126, plus strand): 5'-CGGGCTGCCGGAGGGCCTGAGCGCCAGAGCCCAGGACCCGGCGGCCGGGGGCGCCATCCC[C>T]TCATGTTCTGGAGAAGGCGCAAATGTGAGCTGGCGGTAGCGGGGAAAGCCCTCCGCCCCC-3'

ClinVar aggregate classification (germline): Likely benign (1 of 4 stars; one submission).

Submission:

CeGaT Center for Human Genetics Tuebingen
Classification: Likely benign. Last evaluated: 2026-08-01. Review status: criteria provided, single submitter. Criteria: CeGaT Center For Human Genetics Tuebingen Variant Classification Criteria Version 2. Collection method: clinical testing. Allele origin: germline. Affected: yes. Observed: 3 variant alleles.
Comment: KCNN2: BP4, BS1